The following is an entry in ClinVar:

NM_001211.6(BUB1B):c.2235A>G (p.Ile745Met)

Gene: BUB1B (BUB1 mitotic checkpoint serine/threonine kinase B; plus strand). Cytogenetic location: 15q15.1.
Variant type: single nucleotide variant.
Coding change: c.2235A>G on transcript NM_001211.6 (MANE Select); coding-DNA position 2235, A replaced by G.
Protein change: p.Ile745Met; replaces isoleucine 745 with methionine.
Molecular consequence: missense variant.
Genome position (GRCh38, 1-based): chr15:40,209,726, A>G. VCF-style: chr15-40209726-A-G. GRCh37 (hg19) VCF-style: chr15-40501927-A-G.
Other names: short protein forms I745M.
Identifiers: ClinVar variation 1788173 (VCV001788173.2), dbSNP rs753711342, ClinGen allele CA7475991.

ClinVar aggregate classification (germline): Uncertain significance (1 of 4 stars; one submission).

Conditions:
Inborn genetic diseases. Identifiers: MedGen C0950123, MeSH D030342.

Allele frequency attached by ClinVar (database versions not stated): gnomAD 0.00001; gnomAD exomes 0.00001; TOPMed 0.00003; ExAC 0.00006.
gnomAD v4.1: 10 of 1,614,084 alleles (0.00062%); highest among the groups gnomAD compares: South Asian, 0.0011%; no homozygotes.

Submission:

Ambry Genetics
Classification: Uncertain significance for Inborn genetic diseases. Last evaluated: 2021-08-23. Review status: criteria provided, single submitter. Criteria: Ambry Variant Classification Scheme 2023. Collection method: clinical testing. Allele origin: germline.
Comment: The p.I745M variant (also known as c.2235A>G), located in coding exon 17 of the BUB1B gene, results from an A to G substitution at nucleotide position 2235. The isoleucine at codon 745 is replaced by methionine, an amino acid with highly similar properties. This amino acid position is conserved. In addition, this alteration is predicted to be tolerated by in silico analysis. Since supporting evidence is limited at this time, the clinical significance of this alteration remains unclear.